The following is an entry in ClinVar:

NM_000152.5(GAA):c.1202A>G (p.Gln401Arg)

Gene: GAA (alpha glucosidase; plus strand). Cytogenetic location: 17q25.3.
Variant type: single nucleotide variant.
Coding change: c.1202A>G on transcript NM_000152.5 (MANE Select); coding-DNA position 1202, A replaced by G.
Protein change: p.Gln401Arg; replaces glutamine 401 with arginine.
Molecular consequence: missense variant.
Genome position (GRCh38, 1-based): chr17:80,108,704, A>G. VCF-style: chr17-80108704-A-G. GRCh37 (hg19) VCF-style: chr17-78082503-A-G.
Other names: c.1202A>G, p.Gln401Arg (NM_001079803.3, NM_001079804.3, NM_001406741.1 and 1 more transcripts); short protein forms Q401R.
Identifiers: ClinVar variation 4876650 (VCV004876650.1).

ClinVar aggregate classification (germline): Likely pathogenic (1 of 4 stars; one submission).

Conditions:
Glycogen storage disease, type II (IOPD). Also called: Pompe Disease; CARDIOMEGALIA GLYCOGENICA DIFFUSA; GLYCOGENOSIS, GENERALIZED, CARDIAC FORM; GSD II; POMPE DISEASE, INFANTILE-ONSET; GLYCOGEN STORAGE DISEASE II, INFANTILE-ONSET. Identifiers: Orphanet 365, MedGen C0017921, MONDO:0009290, OMIM 232300.

Submission:

Genomenon, Inc
Classification: Likely pathogenic for Glycogen storage disease, type II. Last evaluated: 2026-07-01. Review status: criteria provided, single submitter. Criteria: Genomenon Sequence Variant Interpretation Standards - Updated. Collection method: curation. Allele origin: germline. Affected: yes.
Comment: GAA p.Gln401Arg (c.1202A>G) is a missense variant that changes the amino acid at codon 401 from Glutamine to Arginine. This variant has been observed in at least one proband with a GAA-related disorder in the compound heterozygous and/or homozygous state (PMID:18429042). At least one functional study has demonstrated a substantial alteration in protein function relative to the wild-type (PMID:18425781;18429042). It is absent or not present at a significant frequency in gnomAD. In silico models predict that this variant is possibly or probably damaging. In conclusion, we classify GAA p.Gln401Arg (c.1202A>G) as a likely pathogenic variant.

Literature cited by the submitters: PubMed 18429042; PubMed 18425781.